The following is an entry in ClinVar:

ClinVar aggregate classification (germline): Pathogenic. Review status: criteria provided, multiple submitters, no conflicts (2 of 4 stars). 14 submissions from 14 submitters: Pathogenic (11). 3 of the submissions do not count toward it. Last evaluated 2025-12-17.
ClinVar aggregate classification (oncogenicity): Oncogenic (1 of 4 stars; one submission).

Conditions:
Gastric cancer. Also called: Stomach cancer; Malignant tumor of stomach. Identifiers: MedGen C0024623, MeSH D013274, MONDO:0001056, OMIM 613659, HP:0012126.
Hereditary cancer-predisposing syndrome. Also called: Neoplastic Syndromes, Hereditary; Hereditary Cancer Syndrome; Tumor predisposition; Hereditary neoplastic syndrome. Identifiers: Orphanet 140162, MedGen C0027672, MeSH D009386, MONDO:0015356.
Ataxia-telangiectasia syndrome (AT). Also called: Ataxia-telangiectasia, complementation group D; AT, COMPLEMENTATION GROUP C; Ataxia-telangiectasia; ATAXIA-TELANGIECTASIA, COMPLEMENTATION GROUP A; ATAXIA-TELANGIECTASIA, FRESNO VARIANT; Ataxia-telangiectasia, complementation group E. Identifiers: Orphanet 100, MedGen C0004135, MONDO:0008840, OMIM 208900.
Familial cancer of breast. Also called: BREAST CANCER, FAMILIAL; hereditary breast carcinoma; Hereditary breast cancer. Identifiers: Orphanet 227535, MedGen C0346153, MONDO:0016419, OMIM 114480. Disease mechanism: loss of function.
Neoplasm. Also called: Neoplasms; Neoplasm (disease); tumor. Identifiers: MedGen C0027651, MeSH D009369, MONDO:0005070, HP:0002664.

Submissions (15):

Center for Genomic Medicine, Rigshospitalet, Copenhagen University Hospital
Classification: Oncogenic for Neoplasm. Last evaluated: 2025-12-29. Review status: criteria provided, single submitter. Criteria: ClinGen/CGC/VICC Guidelines for Oncogenicity, 2022. Collection method: clinical testing. Allele origin: somatic. Affected: yes.

Labcorp Genetics (formerly Invitae), Labcorp
Classification: Pathogenic for Ataxia-telangiectasia syndrome. Last evaluated: 2025-12-17. Review status: criteria provided, single submitter. Criteria: Invitae Variant Classification Sherloc (09022015). Collection method: clinical testing. Allele origin: germline.
Comment: This sequence change creates a premature translational stop signal (p.Lys2811Serfs*46) in the ATM gene. It is expected to result in an absent or disrupted protein product. Loss-of-function variants in ATM are known to be pathogenic (PMID: 23807571, 25614872). The frequency data for this variant in the population databases is considered unreliable, as metrics indicate poor data quality at this position in the gnomAD database. This premature translational stop signal has been observed in individual(s) with ataxia-telangiectasia (PMID: 10817650, 10980530, 17376192). ClinVar contains an entry for this variant (Variation ID: 142575). For these reasons, this variant has been classified as Pathogenic.

Variantyx, Inc.
Classification: Pathogenic for Ataxia-telangiectasia syndrome. Last evaluated: 2025-08-24. Review status: criteria provided, single submitter. Criteria: Variantyx Assertion Criteria 2022. Collection method: clinical testing. Allele origin: germline. Inheritance: Autosomal recessive inheritance. Affected: no.
Comment: This is a frameshift variant in the ATM gene (OMIM: 607585). Pathogenic variants in this gene have been associated with autosomal recessive ataxia-telangiectasia. This variant introduces a premature termination codon in exon 58 out of 63 and is expected to result in loss of function, which is a known disease mechanism for ATM in this disorder (PMID: 23807571, 25614872) (PVS1). This variant has been reported in the homozygous or compound heterozygous state in at least one affected individual (PMID: 17376192) (PM3). It has a 0.0004% maximum allele frequency in non-founder control populations (PM2). Based on the current evidence, this variant is classified as pathogenic for autosomal recessive ataxia-telangiectasia.

Ambry Genetics
Classification: Pathogenic for Hereditary cancer-predisposing syndrome. Last evaluated: 2025-08-11. Review status: criteria provided, single submitter. Criteria: Ambry Variant Classification Scheme 2023. Collection method: clinical testing. Allele origin: germline.
Comment: The c.8432delA pathogenic mutation, located in coding exon 57 of the ATM gene, results from a deletion of one nucleotide at nucleotide position 8432, causing a translational frameshift with a predicted alternate stop codon (p.K2811Sfs*46). This mutation has been reported in multiple patients with ataxia-telangiectasia (Laake K et al. Hum Mutat. 2000 Sep;16(3):232-46; Li A et al. Am J Med Genet. 2000 May 29;92(3):170-7). In addition to the clinical data presented in the literature, this alteration is expected to result in loss of function by premature protein truncation or nonsense-mediated mRNA decay. As such, this alteration is interpreted as a disease-causing mutation.

Natera, Inc.
Classification: Pathogenic for Ataxia-telangiectasia. Last evaluated: 2024-09-27. Review status: criteria provided, single submitter. Criteria: Natera Variant Classification Schema (03/2026). Collection method: clinical testing. Allele origin: germline.
Comment: The c.8432del variant in ATM is a frameshift variant predicted to shift the reading frame beginning at codon 2811 and leads to a stop codon 46 codons downstream. This variant is expected to result in nonsense mediated decay, truncation, or a dysfunctional protein product. This variant is rare in the general population with a frequency below the threshold expected for the associated phenotype(s). This variant has been observed in one or more individuals affected with the associated recessive disease, as either homozygous or compound heterozygous with a second variant (PMID: 15196260, 17540590). This variant has been observed to segregate in affected family members (PMID: 17540590). Given the available evidence, this variant is classified as Pathogenic.

Color Diagnostics, LLC DBA Color Health
Classification: Pathogenic for Hereditary cancer-predisposing syndrome. Last evaluated: 2024-07-09. Review status: criteria provided, single submitter. Criteria: ACMG Guidelines, 2015. Collection method: clinical testing. Allele origin: germline.
Comment: This variant deletes 1 nucleotide in exon 58 of the ATM gene, creating a frameshift and premature translation stop signal. This variant is expected to result in an absent or non-functional protein product. This variant has been observed homozygous in an individual affected with ataxia-telangiectasia (PMID: 10980530, 15196260), as well as heterozygous with another deleterious ATM variant in an individual affected with ataxia-telangiectasia (PMID: 10980530). This variant has not been identified in the general population by the Genome Aggregation Database (gnomAD). Loss of ATM function is a known mechanism of disease. Based on the available evidence, this variant is classified as Pathogenic.

Myriad Genetics, Inc.
Classification: Pathogenic for Familial cancer of breast. Last evaluated: 2024-02-02. Review status: criteria provided, single submitter. Criteria: Myriad Autosomal Dominant, Autosomal Recessive and X-Linked Classification Criteria (2023). Collection method: clinical testing. Allele origin: unknown.
Comment: This variant is considered pathogenic. This variant creates a frameshift predicted to result in premature protein truncation.

Baylor Genetics
Classification: Pathogenic for Familial cancer of breast. Last evaluated: 2024-01-09. Review status: criteria provided, single submitter. Criteria: ACMG Guidelines, 2015. Collection method: clinical testing. Allele origin: unknown.

Women's Health and Genetics/Laboratory Corporation of America, LabCorp
Classification: Pathogenic for Ataxia-telangiectasia syndrome. Last evaluated: 2023-10-17. Review status: criteria provided, single submitter. Criteria: LabCorp Variant Classification Summary - May 2015. Collection method: clinical testing. Allele origin: germline.
Comment: Variant summary: ATM c.8432delA (p.Lys2811SerfsX46) results in a premature termination codon, predicted to cause a truncation of the encoded protein or absence of the protein due to nonsense mediated decay, which are commonly known mechanisms for disease. Variants downstream of this position have been classified as pathogenic by our laboratory. The variant allele was found at a frequency of 4e-06 in 249724 control chromosomes (gnomAD). c.8432delA has been reported in the literature in individuals affected with Ataxia-Telangiectasia (examples: Stray-Pedersen_2004, and Li_2000). These data indicate that the variant is likely to be associated with disease. The following publications have been ascertained in the context of this evaluation (PMID: 15196260, 10817650). Seven submitters have cited clinical-significance assessments for this variant to ClinVar after 2014. All submitters classified the variant as pathogenic. Based on the evidence outlined above, the variant was classified as pathogenic.

Clinical Genetics Laboratory, Skane University Hospital Lund
Classification: Pathogenic. Last evaluated: 2023-06-08. Review status: criteria provided, single submitter. Criteria: ACMG Guidelines, 2015. Collection method: clinical testing. Allele origin: germline. Affected: yes.

GeneDx
Classification: Pathogenic. Last evaluated: 2023-03-24. Review status: criteria provided, single submitter. Criteria: GeneDx Variant Classification Process June 2021. Collection method: clinical testing. Allele origin: germline. Affected: yes.
Comment: Frameshift variant predicted to result in protein truncation or nonsense mediated decay in a gene for which loss-of-function is a known mechanism of disease; Truncating variants in this gene are considered pathogenic by a well-established clinical consortium and/or database; Identified in individual(s) with early-onset breast, colorectal, gynecological and/or thyroid cancer and in an individual with multiple primary melanoma (Casula et al., 2019; Dominguez-Valentin et al., 2019); Not observed at significant frequency in large population cohorts (gnomAD); This variant is associated with the following publications: (PMID: 10817650, 17376192, 15932512, 24763289, 28152038, 15196260, 34949663, 32866655, 10980530, 29625052, 32980694, 31382929, 31811167, 26689913)

Athena Diagnostics
Classification: Pathogenic. Last evaluated: 2022-10-12. Review status: criteria provided, single submitter. Criteria: Athena Diagnostics Criteria. Collection method: clinical testing. Allele origin: unknown.
Comment: This variant is expected to result in the loss of a functional protein. The frequency of this variant in the general population is consistent with pathogenicity. This variant has been identified in at least one individual with clinical features associated with this gene.

BRCAlab, Lund University
Classification: Pathogenic for Familial cancer of breast. Last evaluated: 2022-08-26. Review status: no assertion criteria provided. Collection method: clinical testing. Allele origin: germline. Affected: yes. Not counted in ClinVar's aggregate classification.

Laboratory for Genotyping Development, RIKEN
Classification: Pathogenic for Gastric cancer. Last evaluated: 2021-07-01. Review status: no assertion criteria provided. Collection method: research. Allele origin: germline. Not counted in ClinVar's aggregate classification.

Counsyl
Classification: Pathogenic for Ataxia-telangiectasia syndrome. Last evaluated: 2017-05-19. Review status: no assertion criteria provided. Collection method: clinical testing. Allele origin: unknown. Not counted in ClinVar's aggregate classification.

Literature cited by the submitters: PubMed 16603769 (cited by Center for Genomic Medicine, Rigshospitalet, Copenhagen University Hospital); PubMed 23807571 (cited by Labcorp Genetics (formerly Invitae), Labcorp and Variantyx, Inc.); PubMed 25614872 (cited by Labcorp Genetics (formerly Invitae), Labcorp and Variantyx, Inc.); PubMed 10817650 (cited by 3 submitters); PubMed 10980530 (cited by 4 submitters); PubMed 17376192 (cited by 3 submitters); PubMed 15196260 (cited by 3 submitters); PubMed 17540590 (cited by Natera, Inc.); PubMed 31382929 (cited by Athena Diagnostics); PubMed 29625052 (cited by Athena Diagnostics); PubMed 31882575 (cited by Athena Diagnostics); PubMed 31811167 (cited by Athena Diagnostics); PubMed 33552952 (cited by Athena Diagnostics); PubMed 34680501 (cited by Athena Diagnostics); PubMed 34247626 (cited by Athena Diagnostics); PubMed 34949663 (cited by Athena Diagnostics); PubMed 36988593 (cited by Laboratory for Genotyping Development, RIKEN).

NM_000051.4(ATM):c.8432del (p.Lys2811fs)

Genes: ATM (ATM serine/threonine kinase; plus strand), C11orf65 (chromosome 11 open reading frame 65; minus strand). Cytogenetic location: 11q22.3.
Variant type: Deletion.
Coding change: c.8432del on transcript NM_000051.4 (MANE Select); coding-DNA position 8432, one base deleted (A; older notation c.8432delA).
Protein change: p.Lys2811fs; shifts the reading frame from lysine 2811.
Molecular consequence: frameshift variant. On other transcripts: intron variant (2).
Genome position (GRCh38, 1-based): chr11:108,345,756, A deleted; the last of 7 consecutive A bases (chr11:108,345,750-108,345,756); deleting any one gives the same sequence. VCF-style (leftmost placement, unchanged base first): chr11-108345749-CA-C. GRCh37 (hg19) VCF-style: chr11-108216476-CA-C.
Other names: c.8432delA, p.Lys2811Serfs (NM_000051.3); c.8432del, p.Lys2811fs (NM_001351834.2); c.641-36679del (NM_001330368.2); c.695-10458del (NM_001351110.2); c.8432delA (NM_000051.4); short protein forms K2811fs.
Identifiers: ClinVar variation 142575 (VCV000142575.47), dbSNP rs587782558, ClinGen allele CA168737.